The following is an entry in ClinVar:

NM_007118.4(TRIO):c.7780G>C (p.Ala2594Pro)

Gene: TRIO (trio Rho guanine nucleotide exchange factor; plus strand). Cytogenetic location: 5p15.2.
Variant type: single nucleotide variant.
Coding change: c.7780G>C on transcript NM_007118.4 (MANE Select); coding-DNA position 7780, G replaced by C.
Protein change: p.Ala2594Pro; replaces alanine 2594 with proline.
Molecular consequence: missense variant. On other transcripts: non-coding transcript variant (1).
Genome position (GRCh38, 1-based): chr5:14,492,714, G>C. VCF-style: chr5-14492714-G-C. GRCh37 (hg19) VCF-style: chr5-14492823-G-C.
Other names: short protein forms A2594P.
Identifiers: ClinVar variation 3377613 (VCV003377613.1).

ClinVar aggregate classification (germline): Uncertain significance (1 of 4 stars; one submission).

Conditions:
Intellectual developmental disorder, autosomal dominant 44, with microcephaly. Also called: TRIO-Related Intellectual Disability; Micrognathia-recurrent infections-behavioral abnormalities-mild intellectual disability syndrome. Identifiers: Orphanet 476126, MedGen C4310740, MONDO:0014892, OMIM 617061.

Submission:

Neuberg Centre For Genomic Medicine, NCGM
Classification: Uncertain significance for Intellectual developmental disorder, autosomal dominant 44, with microcephaly. Last evaluated: 2023-06-22. Review status: criteria provided, single submitter. Criteria: ACMG Guidelines, 2015. Collection method: clinical testing. Allele origin: germline. Inheritance: Autosomal dominant inheritance. Affected: yes.
Comment: The observed missense variant c.7780G>C(p.Ala2594Pro) in the TRIO gene has not been reported previously as a pathogenic variant nor as a benign variant, to our knowledge. This variant is absent in the gnomAD Exomes. The amino acid Ala at position 2594 is changed to a Pro changing protein sequence and it might alter its composition and physico-chemical properties. Multiple lines of computational evidence (Polyphen - Possibly Damaging, and MutationTaster - Disease causing) predict a damaging effect on protein structure and function for this variant. The residue is conserved by GERP++ and PhyloP across 100 vertebrates. For these reasons, this variant has been classified as Uncertain Significance.